The following is an entry in ClinVar:

ClinVar aggregate classification (germline): Uncertain significance (1 of 4 stars; one submission).

Conditions:
Multiple endocrine neoplasia, type 1 (MEN1). Also called: MEN I; WERMER SYNDROME; MEA I; Endocrine adenomatosis multiple; MEN 1. Identifiers: Orphanet 652, MedGen C0025267, MeSH D018761, MONDO:0007540, OMIM 131100.

gnomAD v4.1: 1 of 1,481,310 alleles (0.000068%); no homozygotes.

Submission:

Labcorp Genetics (formerly Invitae), Labcorp
Classification: Uncertain significance for Multiple endocrine neoplasia, type 1. Last evaluated: 2022-09-14. Review status: criteria provided, single submitter. Criteria: Invitae Variant Classification Sherloc (09022015). Collection method: clinical testing. Allele origin: germline.
Comment: In summary, the available evidence is currently insufficient to determine the role of this variant in disease. Therefore, it has been classified as a Variant of Uncertain Significance. Advanced modeling of protein sequence and biophysical properties (such as structural, functional, and spatial information, amino acid conservation, physicochemical variation, residue mobility, and thermodynamic stability) performed at Invitae indicates that this missense variant is expected to disrupt MEN1 protein function. ClinVar contains an entry for this variant (Variation ID: 1345685). This variant has not been reported in the literature in individuals affected with MEN1-related conditions. This variant is not present in population databases (gnomAD no frequency). This sequence change replaces alanine, which is neutral and non-polar, with glycine, which is neutral and non-polar, at codon 5 of the MEN1 protein (p.Ala5Gly).

NM_001370259.2(MEN1):c.14C>G (p.Ala5Gly)

Gene: MEN1 (menin 1; minus strand). Cytogenetic location: 11q13.1.
Variant type: single nucleotide variant.
Coding change: c.14C>G on transcript NM_001370259.2 (MANE Select); coding-DNA position 14, C replaced by G.
Protein change: p.Ala5Gly; replaces alanine 5 with glycine.
Molecular consequence: missense variant.
Genome position (GRCh38, 1-based): chr11:64,810,096, G>C on the plus strand (C>G on the coding strand, the complement: MEN1 is on the minus strand). VCF-style: chr11-64810096-G-C. GRCh37 (hg19) VCF-style: chr11-64577568-G-C.
Other names: c.14C>G, p.Ala5Gly (NM_000244.4, NM_001370251.2, NM_001370260.2 and 9 more transcripts); short protein forms A5G.
Identifiers: ClinVar variation 1345685 (VCV001345685.6), dbSNP rs2136196896, ClinGen allele CA381188316.